The following is an entry in ClinVar:

ClinVar aggregate classification (germline): Uncertain significance. Review status: criteria provided, multiple submitters, no conflicts (2 of 4 stars). 4 submissions from 4 submitters: Uncertain significance (4). Last evaluated 2025-09-23.

Conditions:
Cardiac arrhythmia. Also called: Arrhythmia; Cardiac rhythm disease. Identifiers: MedGen C0003811, MONDO:0007263, HP:0011675.
Cardiovascular phenotype. Identifiers: MedGen CN230736.
Long QT syndrome 2 (LQT2). Identifiers: Orphanet 101016, Orphanet 768, MedGen C3150943, MONDO:0013367, OMIM 613688.
Short QT syndrome type 1. Identifiers: Orphanet 51083, MedGen C1865020, MONDO:0012312, OMIM 609620.
Long QT syndrome (LQTS). Identifiers: MedGen C0023976, MeSH D008133, MONDO:0002442. Disease mechanism: loss of function. Inheritance: Various modes of inheritance.

Allele frequency attached by ClinVar (database versions not stated): gnomAD exomes below 0.00001 and 0.00001; gnomAD 0.00001; TOPMed 0.00001.
gnomAD v4.1: 7 of 1,573,502 alleles (0.00044%); highest among the groups gnomAD compares: Admixed American, 0.0018%; no homozygotes.

Submissions (4):

Ambry Genetics
Classification: Uncertain significance for Cardiovascular phenotype. Last evaluated: 2025-09-23. Review status: criteria provided, single submitter. Criteria: Ambry Variant Classification Scheme 2023. Collection method: clinical testing. Allele origin: germline.
Comment: The p.P1139L variant (also known as c.3416C>T), located in coding exon 15 of the KCNH2 gene, results from a C to T substitution at nucleotide position 3416. The proline at codon 1139 is replaced by leucine, an amino acid with similar properties. This variant was reported in individual(s) in an arrhythmia cohort (Li X et al. Ann Hum Genet, 2020 Mar;84:161-168). This amino acid position is highly conserved in available vertebrate species. In addition, this alteration is predicted to be deleterious by in silico analysis. Based on the available evidence, the clinical significance of this variant remains unclear.

Labcorp Genetics (formerly Invitae), Labcorp
Classification: Uncertain significance for Long QT syndrome. Last evaluated: 2025-09-10. Review status: criteria provided, single submitter. Criteria: Invitae Variant Classification Sherloc (09022015). Collection method: clinical testing. Allele origin: germline.
Comment: This sequence change replaces proline, which is neutral and non-polar, with leucine, which is neutral and non-polar, at codon 1139 of the KCNH2 protein (p.Pro1139Leu). The frequency data for this variant in the population databases is considered unreliable, as metrics indicate poor data quality at this position in the gnomAD database. This missense change has been observed in individual(s) with KCNH2-related conditions (PMID: 31696929). ClinVar contains an entry for this variant (Variation ID: 359302). An algorithm developed to predict the effect of missense changes on protein structure and function (PolyPhen-2) suggests that this variant is likely to be disruptive. In summary, the available evidence is currently insufficient to determine the role of this variant in disease. Therefore, it has been classified as a Variant of Uncertain Significance.

Color Diagnostics, LLC DBA Color Health
Classification: Uncertain significance for Cardiac arrhythmia. Last evaluated: 2025-01-13. Review status: criteria provided, single submitter. Criteria: ACMG Guidelines, 2015. Collection method: clinical testing. Allele origin: germline.
Comment: This missense variant replaces proline with leucine at codon 1139 of the KCNH2 protein. Computational prediction is inconclusive regarding the impact of this variant on protein structure and function. To our knowledge, functional studies have not been reported for this variant. This variant has been reported in individuals affected with hypertrophic cardiomyopathy (PMID: 25351510) and suspected arrhythmia (PMID: 31696929). This variant has been identified in 2/178212 chromosomes in the general population by the Genome Aggregation Database (gnomAD). The available evidence is insufficient to determine the role of this variant in disease conclusively. Therefore, this variant is classified as a Variant of Uncertain Significance.

Fulgent Genetics
Classification: Uncertain significance for Short QT syndrome type 1; Long QT syndrome 2. Last evaluated: 2021-08-11. Review status: criteria provided, single submitter. Criteria: ACMG Guidelines, 2015. Collection method: clinical testing. Allele origin: unknown.

Literature cited by the submitters: PubMed 31696929 (cited by 3 submitters); PubMed 25351510 (cited by Color Diagnostics, LLC DBA Color Health).

NM_000238.4(KCNH2):c.3416C>T (p.Pro1139Leu)

Gene: KCNH2 (potassium voltage-gated channel subfamily H member 2; minus strand). Cytogenetic location: 7q36.1.
Variant type: single nucleotide variant.
Coding change: c.3416C>T on transcript NM_000238.4 (MANE Select); coding-DNA position 3416, C replaced by T.
Protein change: p.Pro1139Leu; replaces proline 1139 with leucine.
Molecular consequence: missense variant.
Genome position (GRCh38, 1-based): chr7:150,945,429, G>A on the plus strand (C>T on the coding strand, the complement: KCNH2 is on the minus strand). VCF-style: chr7-150945429-G-A. GRCh37 (hg19) VCF-style: chr7-150642517-G-A.
Other names: c.2396C>T, p.Pro799Leu (NM_172057.3); short protein forms P1139L, P799L.
Identifiers: ClinVar variation 359302 (VCV000359302.11), dbSNP rs886062086, ClinGen allele CA10628555.